The following is an entry in ClinVar:

ClinVar aggregate classification (germline): Likely benign (1 of 4 stars; one submission).

Submission:

CeGaT Center for Human Genetics Tuebingen
Classification: Likely benign. Last evaluated: 2025-05-01. Review status: criteria provided, single submitter. Criteria: CeGaT Center For Human Genetics Tuebingen Variant Classification Criteria Version 2. Collection method: clinical testing. Allele origin: germline. Affected: yes. Observed: 1 variant allele.
Comment: PALLD: PM2:Supporting, BP4, BP7

NM_001166108.2(PALLD):c.1965-12595C>T

Gene: PALLD (palladin, cytoskeletal associated protein; plus strand). Cytogenetic location: 4q32.3.
Variant type: single nucleotide variant.
Coding change: c.1965-12595C>T on transcript NM_001166108.2 (MANE Select); 12595 bases into the intron before coding-DNA position 1965, C replaced by T.
Molecular consequence: intron variant. On other transcripts: synonymous variant (1).
Genome position (GRCh38, 1-based): chr4:168,878,327, C>T. VCF-style: chr4-168878327-C-T. GRCh37 (hg19) VCF-style: chr4-169799478-C-T.
Other names: c.436C>T, p.Leu146= (NM_001166110.2); c.1965-12595C>T (NM_016081.4); c.819-12595C>T (NM_001166109.2); c.-157-12595C>T (NM_001367570.1, NM_001367568.1, NM_001367567.1 and 1 more transcripts).
Identifiers: ClinVar variation 3905488 (VCV003905488.10).
Genomic context (GRCh38, chr4:168,878,327, plus strand): 5'-TGCTCGTCGCCTGCCACCCGCTTCGGCCACAGCCAGACGCCCGCGGCCTTCCTCAGCGCT[C>T]TGCTGCCCTCGCAGCCGCCGCCGGCGGCCGTCAACGCCCTGGGGCTGCCCAAGGGTGTCA-3'